The following is an entry in ClinVar:

NM_025179.4(PLXNA2):c.3168C>T (p.His1056=)

Gene: PLXNA2 (plexin A2; minus strand). Cytogenetic location: 1q32.2.
Variant type: single nucleotide variant.
Coding change: c.3168C>T on transcript NM_025179.4 (MANE Select); coding-DNA position 3168, C replaced by T.
Protein change: p.His1056=; no amino-acid change (histidine 1056 retained).
Molecular consequence: synonymous variant.
Genome position (GRCh38, 1-based): chr1:208,051,096, G>A on the plus strand (C>T on the coding strand, the complement: PLXNA2 is on the minus strand). VCF-style: chr1-208051096-G-A. GRCh37 (hg19) VCF-style: chr1-208224441-G-A.
Identifiers: ClinVar variation 3350181 (VCV003350181.1).

ClinVar aggregate classification (germline): Likely benign (0 of 4 stars; one submission).

Conditions:
PLXNA2-related disorder. Also called: PLXNA2-related condition.

gnomAD v4.1: 8 of 1,613,624 alleles (0.0005%); highest among the groups gnomAD compares: Middle Eastern, 0.017%; no homozygotes.

Submission:

PreventionGenetics, part of Exact Sciences
Classification: Likely benign for PLXNA2-related condition. Last evaluated: 2023-10-25. Review status: no assertion criteria provided. Collection method: clinical testing. Allele origin: germline.
Comment: This variant is classified as likely benign based on ACMG/AMP sequence variant interpretation guidelines (Richards et al. 2015 PMID: 25741868, with internal and published modifications).